The following is an entry in ClinVar:

ClinVar aggregate classification (germline): Uncertain significance (1 of 4 stars; one submission).

Allele frequency attached by ClinVar (database versions not stated): TOPMed 0.00001.
gnomAD v4.1: 6 of 1,614,086 alleles (0.00037%); highest among the groups gnomAD compares: South Asian, 0.0011%; no homozygotes.

Submission:

Labcorp Genetics (formerly Invitae), Labcorp
Classification: Uncertain significance. Last evaluated: 2024-02-23. Review status: criteria provided, single submitter. Criteria: Invitae Variant Classification Sherloc (09022015). Collection method: clinical testing. Allele origin: germline.
Comment: This sequence change replaces serine, which is neutral and polar, with asparagine, which is neutral and polar, at codon 646 of the MTTP protein (p.Ser646Asn). This variant is not present in population databases (gnomAD no frequency). This variant has not been reported in the literature in individuals affected with MTTP-related conditions. ClinVar contains an entry for this variant (Variation ID: 1975698). Advanced modeling of protein sequence and biophysical properties (such as structural, functional, and spatial information, amino acid conservation, physicochemical variation, residue mobility, and thermodynamic stability) performed at Invitae indicates that this missense variant is expected to disrupt MTTP protein function with a positive predictive value of 80%. In summary, the available evidence is currently insufficient to determine the role of this variant in disease. Therefore, it has been classified as a Variant of Uncertain Significance.

NM_001386140.1(MTTP):c.1937G>A (p.Ser646Asn)

Gene: MTTP (microsomal triglyceride transfer protein; plus strand). Cytogenetic location: 4q23.
Variant type: single nucleotide variant.
Coding change: c.1937G>A on transcript NM_001386140.1 (MANE Select); coding-DNA position 1937, G replaced by A.
Protein change: p.Ser646Asn; replaces serine 646 with asparagine.
Molecular consequence: missense variant.
Genome position (GRCh38, 1-based): chr4:99,611,401, G>A. VCF-style: chr4-99611401-G-A. GRCh37 (hg19) VCF-style: chr4-100532558-G-A.
Other names: c.1937G>A, p.Ser646Asn (NM_000253.4); c.1688G>A, p.Ser563Asn (NM_001300785.2); short protein forms S563N, S646N.
Identifiers: ClinVar variation 1975698 (VCV001975698.5), dbSNP rs1725951767, ClinGen allele CA357515986.